The following is an entry in ClinVar:

ClinVar aggregate classification (germline): Uncertain significance. Review status: criteria provided, multiple submitters, no conflicts (2 of 4 stars). 5 submissions from 5 submitters: Uncertain significance (5). Last evaluated 2025-11-10.

Conditions:
Familial adenomatous polyposis 1 (FAP1). Also called: FAMILIAL ADENOMATOUS POLYPOSIS 1, ATTENUATED; POLYPOSIS, ADENOMATOUS INTESTINAL. Identifiers: MedGen C2713442, MONDO:0021056, OMIM 175100. Disease mechanism: loss of function.
Hereditary cancer-predisposing syndrome. Also called: Tumor predisposition; Hereditary Cancer Syndrome; Hereditary neoplastic syndrome; Neoplastic Syndromes, Hereditary. Identifiers: Orphanet 140162, MedGen C0027672, MeSH D009386, MONDO:0015356.
Classic or attenuated familial adenomatous polyposis. Identifiers: MedGen CN372698, MONDO:0021057.

Allele frequency attached by ClinVar (database versions not stated): gnomAD exomes below 0.00001 and 0.00001; ExAC 0.00001.
gnomAD v4.1: 11 of 1,614,038 alleles (0.00068%); highest among the groups gnomAD compares: South Asian, 0.0011%; no homozygotes.

Submissions (5):

Labcorp Genetics (formerly Invitae), Labcorp
Classification: Uncertain significance for Familial adenomatous polyposis 1. Last evaluated: 2025-11-10. Review status: criteria provided, single submitter. Criteria: Invitae Variant Classification Sherloc (09022015). Collection method: clinical testing. Allele origin: germline.
Comment: This sequence change replaces tyrosine, which is neutral and polar, with cysteine, which is neutral and slightly polar, at codon 1376 of the APC protein (p.Tyr1376Cys). This variant is present in population databases (rs756664931, gnomAD 0.003%). This variant has not been reported in the literature in individuals affected with APC-related conditions. ClinVar contains an entry for this variant (Variation ID: 411537). Invitae Evidence Modeling of protein sequence and biophysical properties (such as structural, functional, and spatial information, amino acid conservation, physicochemical variation, residue mobility, and thermodynamic stability) indicates that this missense variant is not expected to disrupt APC protein function with a negative predictive value of 95%. In summary, the available evidence is currently insufficient to determine the role of this variant in disease. Therefore, it has been classified as a Variant of Uncertain Significance.

Color Diagnostics, LLC DBA Color Health
Classification: Uncertain significance for Hereditary cancer-predisposing syndrome. Last evaluated: 2025-08-27. Review status: criteria provided, single submitter. Criteria: ACMG Guidelines, 2015. Collection method: clinical testing. Allele origin: germline.
Comment: This missense variant replaces tyrosine with cysteine at codon 1376 of the APC protein. Computational prediction suggests that this variant may not impact protein structure and function. APC is defined as a gene for which primarily truncating variants are known to cause disease (ClinGen HCCP VCEP). To our knowledge, functional studies have not been reported for this variant. This variant has not been reported in individuals affected with APC-related disorders in the literature. This variant has been identified in 1/250816 chromosomes in the general population by the Genome Aggregation Database (gnomAD). The available evidence is insufficient to determine the role of this variant in disease conclusively. Therefore, this variant is classified as a Variant of Uncertain Significance.

Center for Genomic Medicine, Rigshospitalet, Copenhagen University Hospital
Classification: Uncertain significance. Last evaluated: 2025-03-04. Review status: criteria provided, single submitter. Criteria: ACMG Guidelines, 2015. Collection method: clinical testing. Allele origin: germline.

Ambry Genetics
Classification: Uncertain significance for Hereditary cancer-predisposing syndrome. Last evaluated: 2024-09-11. Review status: criteria provided, single submitter. Criteria: Ambry Variant Classification Scheme 2023. Collection method: clinical testing. Allele origin: germline.
Comment: The p.Y1376C variant (also known as c.4127A>G), located in coding exon 15 of the APC gene, results from an A to G substitution at nucleotide position 4127. The tyrosine at codon 1376 is replaced by cysteine, an amino acid with highly dissimilar properties. This amino acid position is highly conserved in available vertebrate species. In addition, in silico predictors for this gene do not accurately predict pathogenicity. Since supporting evidence is limited at this time, the clinical significance of this alteration remains unclear.

All of Us Research Program, National Institutes of Health
Classification: Uncertain significance for Classic or attenuated familial adenomatous polyposis. Last evaluated: 2024-05-09. Review status: criteria provided, single submitter. Criteria: ACMG Guidelines, 2015. Collection method: clinical testing. Allele origin: germline. Inheritance: Autosomal dominant inheritance. Observed: 2 variant alleles, 2 heterozygotes.
Comment: This missense variant replaces tyrosine with cysteine at codon 1376 of the APC protein. Computational prediction suggests that this variant may not impact protein structure and function (internally defined REVEL score threshold <= 0.5, PMID: 27666373). To our knowledge, functional studies have not been reported for this variant. This variant has not been reported in individuals affected with APC-related disorders in the literature. This variant has been identified in 1/250816 chromosomes in the general population by the Genome Aggregation Database (gnomAD). The available evidence is insufficient to determine the role of this variant in disease conclusively. Therefore, this variant is classified as a Variant of Uncertain Significance.

This study involves interpretation of variants in research participants for the purpose of population health screening. Participant phenotype was not available at the time of variant classification. Additional details can be found in publication PMID: 35346344, PMCID: PMC8962531

NM_000038.6(APC):c.4127A>G (p.Tyr1376Cys)

Gene: APC (APC regulator of Wnt signaling pathway; plus strand). Cytogenetic location: 5q22.2.
Variant type: single nucleotide variant.
Coding change: c.4127A>G on transcript NM_000038.6 (MANE Select); coding-DNA position 4127, A replaced by G.
Protein change: p.Tyr1376Cys; replaces tyrosine 1376 with cysteine.
Molecular consequence: missense variant.
Genome position (GRCh38, 1-based): chr5:112,839,721, A>G. VCF-style: chr5-112839721-A-G. GRCh37 (hg19) VCF-style: chr5-112175418-A-G.
Other names: c.4127A>G, p.Tyr1376Cys (NM_001127510.3, NM_001354895.2); c.4073A>G, p.Tyr1358Cys (NM_001127511.3); c.4181A>G, p.Tyr1394Cys (NM_001354896.2); c.4157A>G, p.Tyr1386Cys (NM_001354897.2); c.4052A>G, p.Tyr1351Cys (NM_001354898.2); c.4043A>G, p.Tyr1348Cys (NM_001354899.2); c.4004A>G, p.Tyr1335Cys (NM_001354900.2); c.3950A>G, p.Tyr1317Cys (NM_001354901.2); and 5 more; short protein forms Y1358C, Y1376C, Y1351C, Y1386C, Y1394C, Y1216C, Y1285C, Y1335C.
Identifiers: ClinVar variation 411537 (VCV000411537.14), dbSNP rs756664931, ClinGen allele CA037695.